The following is an entry in ClinVar:

NM_001040616.3(LINS1):c.1586A>G (p.Lys529Arg)

Gene: LINS1 (lines homolog 1; minus strand). Cytogenetic location: 15q26.3.
Variant type: single nucleotide variant.
Coding change: c.1586A>G on transcript NM_001040616.3 (MANE Select); coding-DNA position 1586, A replaced by G.
Protein change: p.Lys529Arg; replaces lysine 529 with arginine.
Molecular consequence: missense variant. On other transcripts: non-coding transcript variant (3).
Genome position (GRCh38, 1-based): chr15:100,569,926, T>C on the plus strand (A>G on the coding strand, the complement: LINS1 is on the minus strand). VCF-style: chr15-100569926-T-C. GRCh37 (hg19) VCF-style: chr15-101110131-T-C.
Other names: c.839A>G, p.Lys280Arg (NM_001352507.2); c.1433A>G, p.Lys478Arg (NM_001352508.2); short protein forms K280R, K478R, K529R.
Identifiers: ClinVar variation 3388311 (VCV003388311.14).
Genomic context (GRCh38, chr15:100,569,926, plus strand): 5'-TCAGTTGCATCAAAGTTATTGCAAATGGTGAAAAAATTATCCCAGTCCTTTTGCAGTAAT[T>C]TTAAATATCTAACAAAATATTCAAGAAAACAGGTTTCTGATGAAATCAAAAAGTCAAGAA-3'
Protein context (NP_001035706.2, residues 519-539): CFLEYFVRYL[Lys529Arg]LLQKDWDNFF

ClinVar aggregate classification (germline): Uncertain significance (1 of 4 stars; one submission).

gnomAD v4.1: 11 of 1,598,694 alleles (0.00069%); highest among the groups gnomAD compares: Middle Eastern, 0.067%; no homozygotes.

Submission:

CeGaT Center for Human Genetics Tuebingen
Classification: Uncertain significance. Last evaluated: 2024-11-01. Review status: criteria provided, single submitter. Criteria: CeGaT Center For Human Genetics Tuebingen Variant Classification Criteria Version 2. Collection method: clinical testing. Allele origin: germline. Affected: yes. Observed: 1 variant allele.
Comment: LINS1: PM2